The following is an entry in ClinVar:

NM_001042472.3(ABHD12):c.1156A>C (p.Arg386=)

Gene: ABHD12 (abhydrolase domain containing 12, lysophospholipase; minus strand). Cytogenetic location: 20p11.21.
Variant type: single nucleotide variant.
Coding change: c.1156A>C on transcript NM_001042472.3 (MANE Select); coding-DNA position 1156, A replaced by C.
Protein change: p.Arg386=; no amino-acid change (arginine 386 retained).
Molecular consequence: synonymous variant.
Genome position (GRCh38, 1-based): chr20:25,302,220, T>G on the plus strand (A>C on the coding strand, the complement: ABHD12 is on the minus strand). VCF-style: chr20-25302220-T-G. GRCh37 (hg19) VCF-style: chr20-25282856-T-G.
Other names: c.1156A>C, p.Arg386= (NM_015600.5).
Identifiers: ClinVar variation 1460761 (VCV001460761.4), dbSNP rs771951512, ClinGen allele CA9795813.

ClinVar aggregate classification (germline): Uncertain significance. Review status: criteria provided, multiple submitters, no conflicts (2 of 4 stars). 2 submissions from 2 submitters: Uncertain significance (2). Last evaluated 2021-08-18.

Allele frequency attached by ClinVar (database versions not stated): gnomAD exomes below 0.00001 and 0.00001; ExAC 0.00001; TOPMed 0.00001.
gnomAD v4.1: 2 of 1,613,148 alleles (0.00012%); highest among the groups gnomAD compares: Admixed American, 0.0033%; no homozygotes.

Submissions (2):

Labcorp Genetics (formerly Invitae), Labcorp
Classification: Uncertain significance. Last evaluated: 2021-08-18. Review status: criteria provided, single submitter. Criteria: Invitae Variant Classification Sherloc (09022015). Collection method: clinical testing. Allele origin: germline.
Comment: This sequence change affects codon 386 of the ABHD12 mRNA. It is a 'silent' change, meaning that it does not change the encoded amino acid sequence of the ABHD12 protein. It affects a nucleotide within the consensus splice site of the intron. This variant is present in population databases (rs771951512, ExAC 0.009%). This variant has not been reported in the literature in individuals affected with ABHD12-related conditions. Algorithms developed to predict the effect of sequence changes on RNA splicing suggest that this variant is not likely to affect RNA splicing. In summary, the available evidence is currently insufficient to determine the role of this variant in disease. Therefore, it has been classified as a Variant of Uncertain Significance.

Blueprint Genetics
Classification: Uncertain significance. Last evaluated: 2019-04-09. Review status: criteria provided, single submitter. Criteria: ACMG Guidelines, 2015. Collection method: clinical testing. Allele origin: germline.